The following is an entry in ClinVar:

ClinVar aggregate classification (germline): Uncertain significance (1 of 4 stars; one submission).

Conditions:
Combined immunodeficiency due to CTPS1 deficiency. Also called: Immunodeficiency 24; Severe combined immunodeficiency due to CTPS1 deficiency. Identifiers: Orphanet 420573, MedGen C4014617, MONDO:0014391, OMIM 615897.

Submission:

Labcorp Genetics (formerly Invitae), Labcorp
Classification: Uncertain significance for Combined immunodeficiency due to CTPS1 deficiency. Last evaluated: 2024-08-30. Review status: criteria provided, single submitter. Criteria: Invitae Variant Classification Sherloc (09022015). Collection method: clinical testing. Allele origin: germline.
Comment: This sequence change replaces arginine, which is basic and polar, with leucine, which is neutral and non-polar, at codon 479 of the CTPS1 protein (p.Arg479Leu). This variant is not present in population databases (gnomAD no frequency). This variant has not been reported in the literature in individuals affected with CTPS1-related conditions. An algorithm developed to predict the effect of missense changes on protein structure and function (PolyPhen-2) suggests that this variant is likely to be disruptive. In summary, the available evidence is currently insufficient to determine the role of this variant in disease. Therefore, it has been classified as a Variant of Uncertain Significance.

NM_001905.4(CTPS1):c.1436G>T (p.Arg479Leu)

Gene: CTPS1 (CTP synthase 1; plus strand). Cytogenetic location: 1p34.2.
Variant type: single nucleotide variant.
Coding change: c.1436G>T on transcript NM_001905.4 (MANE Select); coding-DNA position 1436, G replaced by T.
Protein change: p.Arg479Leu; replaces arginine 479 with leucine.
Molecular consequence: missense variant. On other transcripts: non-coding transcript variant (1).
Genome position (GRCh38, 1-based): chr1:41,008,701, G>T. VCF-style: chr1-41008701-G-T. GRCh37 (hg19) VCF-style: chr1-41474373-G-T.
Other names: c.968G>T, p.Arg323Leu (NM_001301237.2); short protein forms R323L, R479L.
Identifiers: ClinVar variation 2818622 (VCV002818622.3), dbSNP rs1643095921, ClinGen allele CA339906176.